The following is an entry in ClinVar:

NM_001286577.2(C2CD3):c.3344+5A>G

Gene: C2CD3 (C2 domain containing 3 centriole elongation regulator; minus strand). Cytogenetic location: 11q13.4.
Variant type: single nucleotide variant.
Coding change: c.3344+5A>G on transcript NM_001286577.2 (MANE Select); 5 bases into the intron after coding-DNA position 3344, A replaced by G.
Molecular consequence: intron variant.
Genome position (GRCh38, 1-based): chr11:74,093,811, T>C on the plus strand (A>G on the coding strand, the complement: C2CD3 is on the minus strand). VCF-style: chr11-74093811-T-C. GRCh37 (hg19) VCF-style: chr11-73804856-T-C.
Other names: c.3344+5A>G (NM_015531.6).
Identifiers: ClinVar variation 1934510 (VCV001934510.5), dbSNP rs1955995237, ClinGen allele CA1982736794.

ClinVar aggregate classification (germline): Uncertain significance (1 of 4 stars; one submission).

Allele frequency attached by ClinVar (database versions not stated): gnomAD exomes below 0.00001; TOPMed below 0.00001.
gnomAD v4.1: 1 of 1,613,072 alleles (0.000062%); highest among the groups gnomAD compares: Non-Finnish European, 0.000085%; no homozygotes.

Submission:

Labcorp Genetics (formerly Invitae), Labcorp
Classification: Uncertain significance. Last evaluated: 2024-12-09. Review status: criteria provided, single submitter. Criteria: Invitae Variant Classification Sherloc (09022015). Collection method: clinical testing. Allele origin: germline.
Comment: This sequence change falls in intron 18 of the C2CD3 gene. It does not directly change the encoded amino acid sequence of the C2CD3 protein. It affects a nucleotide within the consensus splice site. This variant is not present in population databases (gnomAD no frequency). This variant has not been reported in the literature in individuals affected with C2CD3-related conditions. ClinVar contains an entry for this variant (Variation ID: 1934510). Variants that disrupt the consensus splice site are a relatively common cause of aberrant splicing (PMID: 17576681, 9536098). Algorithms developed to predict the effect of sequence changes on RNA splicing suggest that this variant is not likely to affect RNA splicing. In summary, the available evidence is currently insufficient to determine the role of this variant in disease. Therefore, it has been classified as a Variant of Uncertain Significance.

Literature cited by the submitters: PubMed 17576681; PubMed 9536098.